The following is an entry in ClinVar:

NM_006745.5(MSMO1):c.831G>A (p.Gln277=)

Gene: MSMO1 (methylsterol monooxygenase 1; plus strand). Cytogenetic location: 4q32.3.
Variant type: single nucleotide variant.
Coding change: c.831G>A on transcript NM_006745.5 (MANE Select); coding-DNA position 831, G replaced by A.
Protein change: p.Gln277=; no amino-acid change (glutamine 277 retained).
Molecular consequence: synonymous variant.
Genome position (GRCh38, 1-based): chr4:165,341,895, G>A. VCF-style: chr4-165341895-G-A. GRCh37 (hg19) VCF-style: chr4-166263047-G-A.
Other names: c.438G>A, p.Gln146= (NM_001017369.3).
Identifiers: ClinVar variation 1229277 (VCV001229277.14), dbSNP rs17585739, ClinGen allele CA3130055.

ClinVar aggregate classification (germline): Benign. Review status: criteria provided, multiple submitters, no conflicts (2 of 4 stars). 4 submissions from 4 submitters: Benign (3). 1 of the submissions does not count toward it. Last evaluated 2026-02-02.

Conditions:
MSMO1-related disorder. Also called: MSMO1-related condition.

Allele frequency attached by ClinVar (database versions not stated): gnomAD exomes 0.05338 and 0.06031; TOPMed 0.05782; gnomAD 0.06255 and 0.06388; 1000 Genomes Project 0.04673; ExAC 0.05582; 1000 Genomes Project 30x 0.04841; ESP Exome Variant Server 0.06674.
gnomAD v4.1: 97,237 of 1,612,140 alleles (6%); highest among the groups gnomAD compares: African/African-American, 7.8%; 3,225 homozygotes.

Submissions (4):

Labcorp Genetics (formerly Invitae), Labcorp
Classification: Benign. Last evaluated: 2026-02-02. Review status: criteria provided, single submitter. Criteria: Invitae Variant Classification Sherloc (09022015). Collection method: clinical testing. Allele origin: germline.

GeneDx
Classification: Benign. Last evaluated: 2021-06-09. Review status: criteria provided, single submitter. Criteria: GeneDx Variant Classification Process June 2021. Collection method: clinical testing. Allele origin: germline. Affected: yes.

Breakthrough Genomics
Classification: Benign. Review status: criteria provided, single submitter. Criteria: ACMG Guidelines, 2015. Collection method: not provided. Allele origin: germline. Inheritance: Autosomal recessive inheritance. Affected: yes.

PreventionGenetics, part of Exact Sciences
Classification: Benign for MSMO1-related condition. Last evaluated: 2019-07-30. Review status: no assertion criteria provided. Collection method: clinical testing. Allele origin: germline. Not counted in ClinVar's aggregate classification.
Comment: This variant is classified as benign based on ACMG/AMP sequence variant interpretation guidelines (Richards et al. 2015 PMID: 25741868, with internal and published modifications).